The following is an entry in ClinVar:

ClinVar aggregate classification (germline): Uncertain significance (1 of 4 stars; one submission).

Conditions:
Long QT syndrome (LQTS). Identifiers: MedGen C0023976, MeSH D008133, MONDO:0002442. Disease mechanism: loss of function. Inheritance: Various modes of inheritance.

Submission:

Labcorp Genetics (formerly Invitae), Labcorp
Classification: Uncertain significance for Long QT syndrome. Last evaluated: 2025-06-16. Review status: criteria provided, single submitter. Criteria: Invitae Variant Classification Sherloc (09022015). Collection method: clinical testing. Allele origin: germline.
Comment: This sequence change replaces leucine, which is neutral and non-polar, with methionine, which is neutral and non-polar, at codon 38 of the CACNA1C protein (p.Leu38Met). This variant is not present in population databases (gnomAD no frequency). This variant has not been reported in the literature in individuals affected with CACNA1C-related conditions. ClinVar contains an entry for this variant (Variation ID: 2786321). Invitae Evidence Modeling of protein sequence and biophysical properties (such as structural, functional, and spatial information, amino acid conservation, physicochemical variation, residue mobility, and thermodynamic stability) indicates that this missense variant is not expected to disrupt CACNA1C protein function with a negative predictive value of 95%. In summary, the available evidence is currently insufficient to determine the role of this variant in disease. Therefore, it has been classified as a Variant of Uncertain Significance.

NM_000719.7(CACNA1C):c.112C>A (p.Leu38Met)

Gene: CACNA1C (calcium voltage-gated channel subunit alpha1 C; plus strand). Cytogenetic location: 12p13.33.
Variant type: single nucleotide variant.
Coding change: c.112C>A on transcript NM_000719.7 (MANE Select); coding-DNA position 112, C replaced by A.
Protein change: p.Leu38Met; replaces leucine 38 with methionine.
Molecular consequence: missense variant.
Genome position (GRCh38, 1-based): chr12:2,115,286, C>A. VCF-style: chr12-2115286-C-A. GRCh37 (hg19) VCF-style: chr12-2224452-C-A.
Other names: c.112C>A, p.Leu38Met (NM_001129827.2, NM_001129829.2, NM_001129830.3 and 19 more transcripts); short protein forms L38M.
Identifiers: ClinVar variation 2786321 (VCV002786321.3), dbSNP rs2547560876, ClinGen allele CA383652956.
Genomic context (GRCh38, chr12:2,115,286, plus strand): 5'-TCCAACTATGGGAGCCCACGCCCCGCCCATGCCAACATGAATGCCAATGCGGCAGCGGGG[C>A]TGGCCCCTGAGCACATCCCCACCCCGGGGGCTGCCCTGTCGTGGCAGGCGGCCATCGACG-3'
Protein context (NP_000710.5, residues 28-48): ANMNANAAAG[Leu38Met]APEHIPTPGA